The following is an entry in ClinVar:

ClinVar aggregate classification (germline): Pathogenic. Review status: criteria provided, multiple submitters, no conflicts (2 of 4 stars). 7 submissions from 7 submitters: Pathogenic (6). 1 of the submissions does not count toward it. Last evaluated 2025-09-02.

Conditions:
OPA1-related disorder. Also called: OPA1-related condition; OPA1-related disorders.
Optic atrophy. Identifiers: MedGen C0029124, MONDO:0003608, HP:0000648.
Autosomal dominant optic atrophy classic form (OPA1). Also called: Optic Atrophy Type 1; KJER-TYPE OPTIC ATROPHY; OPTIC ATROPHY, JUVENILE. Identifiers: Orphanet 98673, MedGen C0338508, MONDO:0008134, OMIM 165500.

Allele frequency attached by ClinVar (database versions not stated): gnomAD exomes below 0.00001; ExAC 0.00001.
gnomAD v4.1: 3 of 1,603,388 alleles (0.00019%); highest among the groups gnomAD compares: South Asian, 0.0011%; no homozygotes.

Submissions (7):

Labcorp Genetics (formerly Invitae), Labcorp
Classification: Pathogenic. Last evaluated: 2025-09-02. Review status: criteria provided, single submitter. Criteria: Invitae Variant Classification Sherloc (09022015). Collection method: clinical testing. Allele origin: germline.
Comment: This sequence change creates a premature translational stop signal (p.Arg235*) in the OPA1 gene. It is expected to result in an absent or disrupted protein product. Loss-of-function variants in OPA1 are known to be pathogenic (PMID: 11440988, 20157015, 20952381, 25012220). This variant is present in population databases (rs761743852, gnomAD 0.003%). This premature translational stop signal has been observed in individual(s) with autosomal dominant optic atrophy (PMID: 23916084, 25564500). ClinVar contains an entry for this variant (Variation ID: 447904). For these reasons, this variant has been classified as Pathogenic.

Blueprint Genetics
Classification: Pathogenic for OPA1-related disorders. Last evaluated: 2024-02-27. Review status: criteria provided, single submitter. Criteria: ACMG Guidelines, 2015. Collection method: clinical testing. Allele origin: germline. Affected: yes. Observed: 3 variant alleles.

Clinical Genetics Laboratory, Skane University Hospital Lund
Classification: Pathogenic. Last evaluated: 2022-07-13. Review status: criteria provided, single submitter. Criteria: ACMG Guidelines, 2015. Collection method: clinical testing. Allele origin: germline. Affected: yes.

Institute of Medical Genetics and Applied Genomics, University Hospital Tübingen
Classification: Pathogenic. Last evaluated: 2021-06-17. Review status: criteria provided, single submitter. Criteria: ACMG Guidelines, 2015. Collection method: clinical testing. Allele origin: germline. Inheritance: Autosomal dominant inheritance. Affected: yes.

Victorian Clinical Genetics Services, Murdoch Childrens Research Institute
Classification: Pathogenic for Autosomal dominant optic atrophy classic form. Last evaluated: 2020-06-11. Review status: criteria provided, single submitter. Criteria: ACMG Guidelines, 2015. Collection method: clinical testing. Allele origin: germline. Affected: yes.
Comment: Based on the classification scheme VCGS_Germline_v1.3.2, this variant is classified as Pathogenic. Following criteria are met: 0102 - Loss of function is a known mechanism of disease in this gene and this gene is associated with optic atrophy. (I) 0108 - This gene is associated with both recessive and dominant disease. Truncating variants and mutations in the C-terminal domain are associated with dominant optic atrophy. Individuals carrying missense variants are clustered within the GTPase domain, generally develop optic atrophy plus syndrome. Lastly, biallelic variants have been associated with early onset Behr syndrome (PMID: 31500643, 28494813, 25012220, 30165240). (I) 0112 - The condition associated with this gene has incomplete penetrance. A study demonstrated penetrance to be approximately 90% (PMID: 15948788). (I) 0201 - Variant is predicted to cause nonsense-mediated decay (NMD) and loss of protein (premature termination codon is located at least 54 nucleotides upstream of the final exon-exon junction) (exon 7 of 29). (SP) 0251 - This variant is heterozygous. (I) 0302 - Variant is present in gnomAD (v2) <0.001 for both dominant and recessive conditions (1 heterozygote, 0 homozygotes). (SP) 0701 - Other NMD predicted variants comparable to the one identified in this case have very strong previous evidence for pathogenicity (ClinVar). (SP) 0802 - This variant has moderate previous evidence of pathogenicity in unrelated individuals. The variant has been previously reported in patients with dominant optic atrophy (ClinVar, PMID: 15948788, 24907432). (SP) 1208 - Inheritance information for this variant is not currently available in this individual. (I) Legend: (SP) - Supporting pathogenic, (I) - Information, (SB) - Supporting benign

Athena Diagnostics
Classification: Pathogenic. Last evaluated: 2016-10-21. Review status: criteria provided, single submitter. Criteria: Athena Diagnostics Criteria. Collection method: clinical testing. Allele origin: germline.

Institute of Human Genetics, Univ. Regensburg, Univ. Regensburg
Classification: Pathogenic for Optic atrophy. Last evaluated: 2020-01-01. Review status: no assertion criteria provided. Criteria: ACMG Guidelines, 2015. Collection method: clinical testing. Allele origin: germline. Affected: yes. Not counted in ClinVar's aggregate classification.

Literature cited by the submitters: PubMed 11440988 (cited by Labcorp Genetics (formerly Invitae), Labcorp); PubMed 20157015 (cited by Labcorp Genetics (formerly Invitae), Labcorp); PubMed 20952381 (cited by Labcorp Genetics (formerly Invitae), Labcorp); PubMed 25012220 (cited by Labcorp Genetics (formerly Invitae), Labcorp and Victorian Clinical Genetics Services, Murdoch Childrens Research Institute); PubMed 23916084 (cited by Labcorp Genetics (formerly Invitae), Labcorp); PubMed 25564500 (cited by Labcorp Genetics (formerly Invitae), Labcorp); PubMed 15948788 (cited by Victorian Clinical Genetics Services, Murdoch Childrens Research Institute and Athena Diagnostics); PubMed 24907432 (cited by Victorian Clinical Genetics Services, Murdoch Childrens Research Institute and Athena Diagnostics); PubMed 28494813 (cited by Victorian Clinical Genetics Services, Murdoch Childrens Research Institute); PubMed 30165240 (cited by Victorian Clinical Genetics Services, Murdoch Childrens Research Institute); PubMed 31500643 (cited by Victorian Clinical Genetics Services, Murdoch Childrens Research Institute).

NM_130837.3(OPA1):c.868C>T (p.Arg290Ter)

Gene: OPA1 (OPA1 mitochondrial dynamin like GTPase; plus strand). Cytogenetic location: 3q29.
Variant type: single nucleotide variant.
Coding change: c.868C>T on transcript NM_130837.3 (MANE Select); coding-DNA position 868, C replaced by T.
Protein change: p.Arg290Ter; replaces arginine 290 with a stop codon.
Molecular consequence: nonsense.
Genome position (GRCh38, 1-based): chr3:193,635,442, C>T. VCF-style: chr3-193635442-C-T. GRCh37 (hg19) VCF-style: chr3-193353231-C-T.
Other names: c.334C>T, p.Arg112Ter (NM_001354663.2); c.331C>T, p.Arg111Ter (NM_001354664.2); c.703C>T, p.Arg235Ter (NM_015560.3); c.595C>T, p.Arg199Ter (NM_130831.3); c.649C>T, p.Arg217Ter (NM_130832.3); c.706C>T, p.Arg236Ter (NM_130833.3); c.757C>T, p.Arg253Ter (NM_130834.3); c.760C>T, p.Arg254Ter (NM_130835.3); and 1 more; short protein forms R235*, R290*, R254*, R111*, R217*, R253*, R272*, R112*.
Identifiers: ClinVar variation 447904 (VCV000447904.10), dbSNP rs761743852, ClinGen allele CA2759201.